The following is an entry in ClinVar:

NM_001129.5(AEBP1):c.1102C>T (p.Arg368Ter)

Gene: AEBP1 (AE binding protein 1; plus strand). Cytogenetic location: 7p13.
Variant type: single nucleotide variant.
Coding change: c.1102C>T on transcript NM_001129.5 (MANE Select); coding-DNA position 1102, C replaced by T.
Protein change: p.Arg368Ter; replaces arginine 368 with a stop codon.
Molecular consequence: nonsense.
Genome position (GRCh38, 1-based): chr7:44,109,293, C>T. VCF-style: chr7-44109293-C-T. GRCh37 (hg19) VCF-style: chr7-44148892-C-T.
Other names: short protein forms R368*.
Identifiers: ClinVar variation 3649776 (VCV003649776.2).

ClinVar aggregate classification (germline): Pathogenic (1 of 4 stars; one submission).

Submission:

Labcorp Genetics (formerly Invitae), Labcorp
Classification: Pathogenic. Last evaluated: 2024-08-04. Review status: criteria provided, single submitter. Criteria: Invitae Variant Classification Sherloc (09022015). Collection method: clinical testing. Allele origin: germline.
Comment: This sequence change creates a premature translational stop signal (p.Arg368*) in the AEBP1 gene. It is expected to result in an absent or disrupted protein product. Loss-of-function variants in AEBP1 are known to be pathogenic (PMID: 29606302). The frequency data for this variant in the population databases is considered unreliable, as metrics indicate poor data quality at this position in the gnomAD database. This variant has not been reported in the literature in individuals affected with AEBP1-related conditions. For these reasons, this variant has been classified as Pathogenic.

Literature cited by the submitters: PubMed 29606302.